The following is an entry in ClinVar:

NM_004698.4(PRPF3):c.2018C>G (p.Ala673Gly)

Gene: PRPF3 (pre-mRNA processing factor 3; plus strand). Cytogenetic location: 1q21.2.
Variant type: single nucleotide variant.
Coding change: c.2018C>G on transcript NM_004698.4 (MANE Select); coding-DNA position 2018, C replaced by G.
Protein change: p.Ala673Gly; replaces alanine 673 with glycine.
Molecular consequence: missense variant. On other transcripts: non-coding transcript variant (4).
Genome position (GRCh38, 1-based): chr1:150,352,945, C>G. VCF-style: chr1-150352945-C-G. GRCh37 (hg19) VCF-style: chr1-150325421-C-G.
Other names: c.1613C>G, p.Ala538Gly (NM_001350529.1); short protein forms A673G, A538G.
Identifiers: ClinVar variation 2802299 (VCV002802299.3), dbSNP rs782484212, ClinGen allele CA1075760.

ClinVar aggregate classification (germline): Uncertain significance (1 of 4 stars; one submission).

Allele frequency attached by ClinVar (database versions not stated): TOPMed below 0.00001; ExAC 0.00001.
gnomAD v4.1: 1 of 1,614,096 alleles (0.000062%); highest among the groups gnomAD compares: Non-Finnish European, 0.000085%; no homozygotes.

Submission:

Labcorp Genetics (formerly Invitae), Labcorp
Classification: Uncertain significance. Last evaluated: 2025-10-21. Review status: criteria provided, single submitter. Criteria: Invitae Variant Classification Sherloc (09022015). Collection method: clinical testing. Allele origin: germline.
Comment: This sequence change replaces alanine, which is neutral and non-polar, with glycine, which is neutral and non-polar, at codon 673 of the PRPF3 protein (p.Ala673Gly). This variant is present in population databases (rs782484212, gnomAD 0.0009%). This variant has not been reported in the literature in individuals affected with PRPF3-related conditions. ClinVar contains an entry for this variant (Variation ID: 2802299). Invitae Evidence Modeling of protein sequence and biophysical properties (such as structural, functional, and spatial information, amino acid conservation, physicochemical variation, residue mobility, and thermodynamic stability) has been performed for this missense variant. However, the output from this modeling did not meet the statistical confidence thresholds required to predict the impact of this variant on PRPF3 protein function. In summary, the available evidence is currently insufficient to determine the role of this variant in disease. Therefore, it has been classified as a Variant of Uncertain Significance.